The following is an entry in ClinVar:

ClinVar aggregate classification (germline): Uncertain significance (1 of 4 stars; one submission).

Submission:

Labcorp Genetics (formerly Invitae), Labcorp
Classification: Uncertain significance. Last evaluated: 2025-10-09. Review status: criteria provided, single submitter. Criteria: Invitae Variant Classification Sherloc (09022015). Collection method: clinical testing. Allele origin: germline.
Comment: This sequence change replaces histidine, which is basic and polar, with arginine, which is basic and polar, at codon 179 of the MNX1 protein (p.His179Arg). This variant is not present in population databases (gnomAD no frequency). This variant has not been reported in the literature in individuals affected with MNX1-related conditions. Invitae Evidence Modeling of protein sequence and biophysical properties (such as structural, functional, and spatial information, amino acid conservation, physicochemical variation, residue mobility, and thermodynamic stability) indicates that this missense variant is expected to disrupt MNX1 protein function with a positive predictive value of 80%. In summary, the available evidence is currently insufficient to determine the role of this variant in disease. Therefore, it has been classified as a Variant of Uncertain Significance.

NM_005515.4(MNX1):c.536A>G (p.His179Arg)

Gene: MNX1 (motor neuron and pancreas homeobox 1; minus strand). Cytogenetic location: 7q36.3.
Variant type: single nucleotide variant.
Coding change: c.536A>G on transcript NM_005515.4 (MANE Select); coding-DNA position 536, A replaced by G.
Protein change: p.His179Arg; replaces histidine 179 with arginine.
Molecular consequence: missense variant.
Genome position (GRCh38, 1-based): chr7:157,009,815, T>C on the plus strand (A>G on the coding strand, the complement: MNX1 is on the minus strand). VCF-style: chr7-157009815-T-C. GRCh37 (hg19) VCF-style: chr7-156802509-T-C.
Other names: short protein forms H179R.
Identifiers: ClinVar variation 4739933 (VCV004739933.1).